The following is an entry in ClinVar:

ClinVar aggregate classification (germline): Uncertain significance (1 of 4 stars; one submission).

Conditions:
Autosomal recessive limb-girdle muscular dystrophy type 2J (LGMDR10). Also called: MUSCULAR DYSTROPHY, LIMB-GIRDLE, AUTOSOMAL RECESSIVE 10; Limb-girdle muscular dystrophy, type 2J. Identifiers: Orphanet 140922, MedGen C1837342, MONDO:0012127, OMIM 608807.
Dilated cardiomyopathy 1G (CMD1G). Identifiers: Orphanet 154, MedGen C1858763, MONDO:0011400, OMIM 604145.

Submission:

Labcorp Genetics (formerly Invitae), Labcorp
Classification: Uncertain significance for Dilated cardiomyopathy 1G; Autosomal recessive limb-girdle muscular dystrophy type 2J. Last evaluated: 2025-09-10. Review status: criteria provided, single submitter. Criteria: Invitae Variant Classification Sherloc (09022015). Collection method: clinical testing. Allele origin: germline.
Comment: This sequence change replaces arginine, which is basic and polar, with lysine, which is basic and polar, at codon 34800 of the TTN protein (p.Arg34800Lys). This variant is not present in population databases (gnomAD no frequency). This variant has not been reported in the literature in individuals affected with TTN-related conditions. An algorithm developed to predict the effect of missense changes on protein structure and function outputs the following: PolyPhen-2: "Not Available". The lysine amino acid residue is found in multiple mammalian species, which suggests that this missense change does not adversely affect protein function. This variant is located in the M band of TTN (PMID: 25589632). Non-truncating variants in this region may be relevant for neuromuscular disorders, but have not been definitively shown to cause cardiomyopathy (PMID: 23975875). In summary, the available evidence is currently insufficient to determine the role of this variant in disease. Therefore, it has been classified as a Variant of Uncertain Significance.

Literature cited by the submitters: PubMed 25589632; PubMed 23975875.

NM_001267550.2(TTN):c.104399G>A (p.Arg34800Lys)

Genes: TTN-AS1 (TTN antisense RNA 1; plus strand), TTN (titin; minus strand). Cytogenetic location: 2q31.2.
Variant type: single nucleotide variant.
Coding change: c.104399G>A on transcript NM_001267550.2 (MANE Select); coding-DNA position 104399, G replaced by A.
Protein change: p.Arg34800Lys; replaces arginine 34800 with lysine.
Molecular consequence: missense variant.
Genome position (GRCh38, 1-based): chr2:178,532,216, C>T on the plus strand (G>A on the coding strand, the complement: TTN is on the minus strand). VCF-style: chr2-178532216-C-T. GRCh37 (hg19) VCF-style: chr2-179396943-C-T.
Other names: c.99476G>A, p.Arg33159Lys (NM_001256850.1); c.77204G>A, p.Arg25735Lys (NM_003319.4); c.96695G>A, p.Arg32232Lys (NM_133378.4); c.77579G>A, p.Arg25860Lys (NM_133432.3); c.77780G>A, p.Arg25927Lys (NM_133437.4); short protein forms R34800K, R32232K, R33159K, R25927K, R25735K, R25860K.
Identifiers: ClinVar variation 4793288 (VCV004793288.1).